The following is an entry in ClinVar:

ClinVar aggregate classification (germline): Benign. Review status: criteria provided, multiple submitters, no conflicts (2 of 4 stars). 2 submissions from 2 submitters: Benign (2). Last evaluated 2018-01-13.

Conditions:
Immunodeficiency 104. Also called: SCID, AUTOSOMAL RECESSIVE, T CELL-NEGATIVE, B CELL-POSITIVE, NK CELL-POSITIVE; Severe Combined Immune Deficiency, Autosomal Recessive, TCell -Negative, B Cell-Positive, NK Cell-Positive, IL7R-Related; Severe combined immunodeficiency, autosomal recessive, T cell-negative, B cell-positive, NK cell-positive; IMMUNODEFICIENCY 104, SEVERE COMBINED. Identifiers: MedGen C5676890, MONDO:0012163, OMIM 608971.

Allele frequency attached by ClinVar (database versions not stated): gnomAD exomes 0.64595; 1000 Genomes Project 0.66973; 1000 Genomes Project 30x 0.67614; TOPMed 0.71353; gnomAD 0.71512 and 0.72701.

Submissions (2):

Illumina Laboratory Services, Illumina
Classification: Benign for Immunodeficiency 104. Last evaluated: 2018-01-13. Review status: criteria provided, single submitter. Criteria: ICSL Variant Classification Criteria 13 December 2019. Collection method: clinical testing. Allele origin: germline.
Comment: This variant was observed in the ICSL laboratory as part of a predisposition screen in an ostensibly healthy population. It had not been previously curated by ICSL or reported in the Human Gene Mutation Database (HGMD: prior to June 1st, 2018), and was therefore a candidate for classification through an automated scoring system. Utilizing variant allele frequency, disease prevalence and penetrance estimates, and inheritance mode, an automated score was calculated to assess if this variant is too frequent to cause the disease. Based on the score and internal cut-off values, a variant classified as benign is not then subjected to further curation. The score for this variant resulted in a classification of benign for this disease.

Breakthrough Genomics
Classification: Benign. Review status: criteria provided, single submitter. Criteria: ACMG Guidelines, 2015. Collection method: not provided. Allele origin: germline. Inheritance: Autosomal recessive inheritance. Affected: yes.

NM_002185.5(IL7R):c.*1238A>T

Gene: IL7R (interleukin 7 receptor; plus strand). Cytogenetic location: 5p13.2.
Variant type: single nucleotide variant.
Coding change: c.*1238A>T on transcript NM_002185.5 (MANE Select); 1238 bases downstream of the stop codon, A replaced by T.
Molecular consequence: 3 prime UTR variant. On other transcripts: non-coding transcript variant (1).
Genome position (GRCh38, 1-based): chr5:35,877,724, A>T. VCF-style: chr5-35877724-A-T. GRCh37 (hg19) VCF-style: chr5-35877826-A-T.
Identifiers: ClinVar variation 353287 (VCV000353287.6), dbSNP rs9292617, ClinGen allele CA10624537.
Genomic context (GRCh38, chr5:35,877,724, plus strand): 5'-ACAAACTTCAGGGAGAAAGAGTTACAAGTACATGCAATGAGTGAACTGACTGTGGCTACA[A>T]TCTTGAAGATATACGGAAGAGACGTATTATTAATGCTTGACATATATCATCTTGCCTTTC-3'